The following is an entry in ClinVar:

NM_001038.6(SCNN1A):c.1129A>G (p.Ile377Val)

Gene: SCNN1A (sodium channel epithelial 1 subunit alpha; minus strand). Cytogenetic location: 12p13.31.
Variant type: single nucleotide variant.
Coding change: c.1129A>G on transcript NM_001038.6 (MANE Select); coding-DNA position 1129, A replaced by G.
Protein change: p.Ile377Val; replaces isoleucine 377 with valine.
Molecular consequence: missense variant.
Genome position (GRCh38, 1-based): chr12:6,355,286, T>C on the plus strand (A>G on the coding strand, the complement: SCNN1A is on the minus strand). VCF-style: chr12-6355286-T-C. GRCh37 (hg19) VCF-style: chr12-6464452-T-C.
Other names: c.1198A>G, p.Ile400Val (NM_001159575.2); c.1306A>G, p.Ile436Val (NM_001159576.2); short protein forms I377V, I400V, I436V.
Identifiers: ClinVar variation 161503 (VCV000161503.2), dbSNP rs193920773, ClinGen allele CA174155.
Genomic context (GRCh38, chr12:6,355,286, plus strand): 5'-TGCAATCTGAGGCGCTCCTTCCAGGCCTCCCAGTCAGCATCCTTGCCTTCCTCATGCTGA[T>C]GGAGGTCTCCACGCCAGGCCGCAAGTTAAAGCCACCATCATCCATAAAGGCAGGTTCATC-3'
Protein context (NP_001029.1, residues 367-387): FNLRPGVETS[Ile377Val]SMRKETLDRL

ClinVar aggregate classification (germline): Uncertain significance (0 of 4 stars; one submission).

Conditions:
Prostate cancer. Also called: Malignant tumor of prostate. Identifiers: Orphanet 1331, MedGen C0376358, MONDO:0008315, HP:0012125.

Allele frequency attached by ClinVar (database versions not stated): gnomAD exomes 0.00001; 1000 Genomes Project 30x 0.00016; TOPMed below 0.00001; 1000 Genomes Project 0.00020; gnomAD 0.00001; ExAC 0.00002.
gnomAD v4.1: 6 of 1,613,230 alleles (0.00037%); highest among the groups gnomAD compares: Admixed American, 0.0067%; no homozygotes.

Submission:

Science for Life laboratory,  Karolinska Institutet
Classification: Uncertain significance for Malignant tumor of prostate. Review status: no assertion criteria provided. Collection method: not provided. Allele origin: somatic.
Comment: TumorID:SWE-10
ClinVar note: Converted during submission from Unknown to Uncertain significance.